The following is an entry in ClinVar:

ClinVar aggregate classification (germline): Uncertain significance. Review status: criteria provided, multiple submitters, no conflicts (2 of 4 stars). 4 submissions from 4 submitters: Uncertain significance (4). Last evaluated 2025-08-04.

Conditions:
Hereditary cancer-predisposing syndrome. Also called: Hereditary neoplastic syndrome; Neoplastic Syndromes, Hereditary; Hereditary Cancer Syndrome; Tumor predisposition. Identifiers: Orphanet 140162, MedGen C0027672, MeSH D009386, MONDO:0015356.

Allele frequency attached by ClinVar (database versions not stated): ExAC 0.00001; gnomAD exomes below 0.00001.

Submissions (4):

Labcorp Genetics (formerly Invitae), Labcorp
Classification: Uncertain significance. Last evaluated: 2025-08-04. Review status: criteria provided, single submitter. Criteria: Invitae Variant Classification Sherloc (09022015). Collection method: clinical testing. Allele origin: germline.
Comment: This sequence change replaces arginine, which is basic and polar, with histidine, which is basic and polar, at codon 77 of the POLE protein (p.Arg77His). This variant is not present in population databases (gnomAD no frequency). This missense change has been observed in individual(s) with breast cancer (PMID: 35534704). ClinVar contains an entry for this variant (Variation ID: 970027). Invitae Evidence Modeling of protein sequence and biophysical properties (such as structural, functional, and spatial information, amino acid conservation, physicochemical variation, residue mobility, and thermodynamic stability) indicates that this missense variant is not expected to disrupt POLE protein function with a negative predictive value of 80%. In summary, the available evidence is currently insufficient to determine the role of this variant in disease. Therefore, it has been classified as a Variant of Uncertain Significance.

Mayo Clinic Laboratories, Mayo Clinic
Classification: Uncertain significance. Last evaluated: 2024-06-04. Review status: criteria provided, single submitter. Criteria: ACMG Guidelines, 2015. Collection method: clinical testing. Allele origin: germline. Observed: 2 variant alleles.
Comment: BP4

Ambry Genetics
Classification: Uncertain significance for Hereditary cancer-predisposing syndrome. Last evaluated: 2024-03-01. Review status: criteria provided, single submitter. Criteria: Ambry Variant Classification Scheme 2023. Collection method: clinical testing. Allele origin: germline.
Comment: The p.R77H variant (also known as c.230G>A), located in coding exon 3 of the POLE gene, results from a G to A substitution at nucleotide position 230. The arginine at codon 77 is replaced by histidine, an amino acid with highly similar properties. This amino acid position is conserved. In addition, this alteration is predicted to be tolerated by in silico analysis. Since supporting evidence is limited at this time, the clinical significance of this alteration remains unclear.

Blueprint Genetics
Classification: Uncertain significance. Last evaluated: 2023-11-22. Review status: criteria provided, single submitter. Criteria: ACMG Guidelines, 2015. Collection method: clinical testing. Allele origin: germline.

Literature cited by the submitters: PubMed 35534704 (cited by Labcorp Genetics (formerly Invitae), Labcorp).

NM_006231.4(POLE):c.230G>A (p.Arg77His)

Gene: POLE (DNA polymerase epsilon, catalytic subunit; minus strand). Cytogenetic location: 12q24.33.
Variant type: single nucleotide variant.
Coding change: c.230G>A on transcript NM_006231.4 (MANE Select); coding-DNA position 230, G replaced by A.
Protein change: p.Arg77His; replaces arginine 77 with histidine.
Molecular consequence: missense variant.
Genome position (GRCh38, 1-based): chr12:132,680,662, C>T on the plus strand (G>A on the coding strand, the complement: POLE is on the minus strand). VCF-style: chr12-132680662-C-T. GRCh37 (hg19) VCF-style: chr12-133257248-C-T.
Other names: p.Arg77His; short protein forms R77H.
Identifiers: ClinVar variation 970027 (VCV000970027.11), dbSNP rs774404704, ClinGen allele CA6894404.